The following is an entry in ClinVar:

NM_000283.4(PDE6B):c.2396G>C (p.Arg799Pro)

Gene: PDE6B (phosphodiesterase 6B; plus strand). Cytogenetic location: 4p16.3.
Variant type: single nucleotide variant.
Coding change: c.2396G>C on transcript NM_000283.4 (MANE Select); coding-DNA position 2396, G replaced by C.
Protein change: p.Arg799Pro; replaces arginine 799 with proline.
Molecular consequence: missense variant.
Genome position (GRCh38, 1-based): chr4:667,899, G>C. VCF-style: chr4-667899-G-C. GRCh37 (hg19) VCF-style: chr4-661688-G-C.
Other names: c.2396G>C, p.Arg799Pro (NM_001145291.2); c.1559G>C, p.Arg520Pro (NM_001145292.2, NM_001350154.3, NM_001379246.1 and 1 more transcripts); c.1241G>C, p.Arg414Pro (NM_001350155.3); c.2396G>C (NM_000283.3); short protein forms R799P, R414P, R520P.
Identifiers: ClinVar variation 1512299 (VCV001512299.12), dbSNP rs546425862, ClinGen allele CA355920472.

ClinVar aggregate classification (germline): Uncertain significance. Review status: criteria provided, multiple submitters, no conflicts (2 of 4 stars). 5 submissions from 5 submitters: Uncertain significance (4). 1 of the submissions does not count toward it. Last evaluated 2025-09-19.

Conditions:
PDE6B-related disorder. Also called: PDE6B-related disease; PDE6B-related condition; PDE6B-related disorders.
Retinal dystrophy. Also called: Inherited retinal dystrophy. Identifiers: Orphanet 71862, MedGen C0854723, MeSH D058499, MONDO:0019118, HP:0000556.
Retinitis pigmentosa 40 (RP40). Identifiers: Orphanet 791, MedGen C3151107, MONDO:0013429, OMIM 613801.

Submissions (5):

PreventionGenetics, part of Exact Sciences
Classification: Uncertain significance for PDE6B-related condition. Last evaluated: 2025-09-19. Review status: criteria provided, single submitter. Criteria: ACMG Guidelines, 2015. Collection method: clinical testing. Allele origin: germline.
Comment: The PDE6B c.2396G>C variant is predicted to result in the amino acid substitution p.Arg799Pro. To our knowledge, this variant has not been reported in the literature or in a large population database (gnomAD), indicating this variant is rare. This variant has been detected in the homozygous state in two individuals undergoing testing for retinitis pigmentosa (internal data, PreventionGenetics). Although we suspect that this variant may be pathogenic, at this time, the clinical significance of this variant is uncertain due to the absence of conclusive functional and genetic evidence.

3billion
Classification: Uncertain significance for Retinitis pigmentosa 40. Last evaluated: 2024-09-28. Review status: criteria provided, single submitter. Criteria: ACMG Guidelines, 2015. Collection method: clinical testing. Allele origin: germline. Affected: yes.
Comment: The variant is not observed in the gnomAD v4.1.0 dataset. Predicted Consequence/Location: Missense variant In silico tool predictions suggest damaging effect of the variant on gene or gene product [3Cnet: 0.77 (>=0.6, sensitivity 0.72 and precision 0.9)]. The variant has been reported as of uncertain significance (ClinVar ID: VCV001512299, VCV000951610). Therefore, this variant is classified as VUS according to the recommendation of ACMG/AMP guideline.

Blueprint Genetics
Classification: Uncertain significance. Last evaluated: 2024-05-27. Review status: criteria provided, single submitter. Criteria: ACMG Guidelines, 2015. Collection method: clinical testing. Allele origin: germline.

Labcorp Genetics (formerly Invitae), Labcorp
Classification: Uncertain significance. Last evaluated: 2023-05-31. Review status: criteria provided, single submitter. Criteria: Invitae Variant Classification Sherloc (09022015). Collection method: clinical testing. Allele origin: germline.
Comment: In summary, the available evidence is currently insufficient to determine the role of this variant in disease. Therefore, it has been classified as a Variant of Uncertain Significance. This variant has not been reported in the literature in individuals affected with PDE6B-related conditions. This sequence change replaces arginine, which is basic and polar, with proline, which is neutral and non-polar, at codon 799 of the PDE6B protein (p.Arg799Pro). This variant is not present in population databases (gnomAD no frequency). ClinVar contains an entry for this variant (Variation ID: 1512299). Advanced modeling of protein sequence and biophysical properties (such as structural, functional, and spatial information, amino acid conservation, physicochemical variation, residue mobility, and thermodynamic stability) performed at Invitae indicates that this missense variant is not expected to disrupt PDE6B protein function.

Institute of Human Genetics, Univ. Regensburg, Univ. Regensburg
Classification: Likely pathogenic for Retinal dystrophy. Last evaluated: 2020-01-01. Review status: no assertion criteria provided. Criteria: ACMG Guidelines, 2015. Collection method: clinical testing. Allele origin: germline. Affected: yes. Not counted in ClinVar's aggregate classification.